The following is an entry in ClinVar:

NM_000049.4(ASPA):c.27dup (p.His10fs)

Genes: ASPA (aspartoacylase; plus strand), SPATA22 (spermatogenesis associated 22; minus strand). Cytogenetic location: 17p13.2.
Variant type: Duplication.
Coding change: c.27dup on transcript NM_000049.4 (MANE Select); coding-DNA position 27, one base duplicated (A; older notation c.27dupA).
Protein change: p.His10fs; shifts the reading frame from histidine 10.
Molecular consequence: frameshift variant. On other transcripts: intron variant (2).
Genome position (GRCh38, 1-based): chr17:3,476,186, A duplicated; the last of 2 consecutive A bases (chr17:3,476,185-3,476,186); duplicating either gives the same sequence. VCF-style (leftmost placement, unchanged base first): chr17-3476184-G-GA. GRCh37 (hg19) VCF-style: chr17-3379478-G-GA.
Other names: c.27dup, p.His10fs (NM_001128085.1); c.-73-6787dup (NM_001321336.2, NM_001321337.2); short protein forms H10fs.
Identifiers: ClinVar variation 1454528 (VCV001454528.8), dbSNP rs2150741648, ClinGen allele CA2573153137.

ClinVar aggregate classification (germline): Pathogenic (1 of 4 stars; one submission).

Conditions:
Spongy degeneration of central nervous system. Also called: ACY2 DEFICIENCY; AMINOACYLASE 2 DEFICIENCY; ASP DEFICIENCY; ASPA DEFICIENCY; ASPARTOACYLASE DEFICIENCY; CANAVAN-VAN BOGAERT-BERTRAND DISEASE. Identifiers: Orphanet 141, MedGen C0206307, MONDO:0010079, OMIM 271900.

Submission:

Labcorp Genetics (formerly Invitae), Labcorp
Classification: Pathogenic for Spongy degeneration of central nervous system. Last evaluated: 2021-10-09. Review status: criteria provided, single submitter. Criteria: Invitae Variant Classification Sherloc (09022015). Collection method: clinical testing. Allele origin: germline.
Comment: For these reasons, this variant has been classified as Pathogenic. This variant has not been reported in the literature in individuals affected with ASPA-related conditions. This variant is not present in population databases (ExAC no frequency). This sequence change creates a premature translational stop signal (p.His10Thrfs*15) in the ASPA gene. It is expected to result in an absent or disrupted protein product. Loss-of-function variants in ASPA are known to be pathogenic (PMID: 12638939).

Literature cited by the submitters: PubMed 12638939.